The following is an entry in ClinVar:

ClinVar aggregate classification (germline): Pathogenic (1 of 4 stars; one submission).

Conditions:
Osteogenesis imperfecta type I (OI1). Also called: OI, TYPE I; OSTEOGENESIS IMPERFECTA TARDA; OSTEOGENESIS IMPERFECTA WITH BLUE SCLERAE; Osteogenesis imperfecta type 1; Lobstein disease; Lobstein's Disease. Identifiers: Orphanet 216796, Orphanet 666, MedGen C0023931, MONDO:0008146, OMIM 166200. Disease mechanism: loss of function.

Submission:

MVZ Medizinische Genetik Mainz
Classification: Pathogenic for Osteogenesis imperfecta type I. Last evaluated: 2024-10-02. Review status: criteria provided, single submitter. Criteria: UK Practice Guidelines For Variant Classification V4 01 2020. Collection method: clinical testing. Allele origin: germline. Inheritance: Autosomal dominant inheritance. Affected: yes. Observed: 1 variant allele.
Comment: ACMG Criteria: PVS1,PM2_SUP,PP4

NM_000088.4(COL1A1):c.378del (p.Gly127fs)

Gene: COL1A1 (collagen type I alpha 1 chain; minus strand). Cytogenetic location: 17q21.33.
Variant type: Deletion.
Coding change: c.378del on transcript NM_000088.4 (MANE Select); coding-DNA position 378, one base deleted (A; older notation c.378delA).
Protein change: p.Gly127fs; shifts the reading frame from glycine 127.
Molecular consequence: frameshift variant.
Genome position (GRCh38, 1-based): chr17:50,199,319, T deleted on the plus strand (A on the coding strand, the reverse complement: COL1A1 is on the minus strand). VCF-style (leftmost placement, unchanged base first): chr17-50199318-CT-C. GRCh37 (hg19) VCF-style: chr17-48276679-CT-C.
Other names: short protein forms G127fs.
Identifiers: ClinVar variation 3370319 (VCV003370319.1).
Genomic context (GRCh38, chr17:50,199,318, plus strand): 5'-GGGGTCCGGGGGGTCCGGGAAGTCCAGGCTGTCCAGGGATGCCATCTCGGCCAGGGGGGC[CT>C]GCGGGTCCCTGCAGGGGGAGAGGGCGGGGCCGGGGTGAGCGTGGGGCCGAGAGCCATGCC-3'